The following is an entry in ClinVar:

NM_006204.4(PDE6C):c.1101T>G (p.Asp367Glu)

Gene: PDE6C (phosphodiesterase 6C; plus strand). Cytogenetic location: 10q23.33.
Variant type: single nucleotide variant.
Coding change: c.1101T>G on transcript NM_006204.4 (MANE Select); coding-DNA position 1101, T replaced by G.
Protein change: p.Asp367Glu; replaces aspartic acid 367 with glutamic acid.
Molecular consequence: missense variant.
Genome position (GRCh38, 1-based): chr10:93,629,287, T>G. VCF-style: chr10-93629287-T-G. GRCh37 (hg19) VCF-style: chr10-95389044-T-G.
Other names: short protein forms D367E.
Identifiers: ClinVar variation 957466 (VCV000957466.9), dbSNP rs556892228, ClinGen allele CA5610062.

ClinVar aggregate classification (germline): Uncertain significance. Review status: criteria provided, multiple submitters, no conflicts (2 of 4 stars). 3 submissions from 3 submitters: Uncertain significance (3). Last evaluated 2025-04-03.

Conditions:
Inborn genetic diseases. Identifiers: MedGen C0950123, MeSH D030342.

Allele frequency attached by ClinVar (database versions not stated): gnomAD 0.00001 and 0.00003; TOPMed 0.00003; 1000 Genomes Project 30x 0.00016; 1000 Genomes Project 0.00020.
gnomAD v4.1: 42 of 1,611,404 alleles (0.0026%); highest among the groups gnomAD compares: Non-Finnish European, 0.0036%; no homozygotes.

Submissions (3):

Ambry Genetics
Classification: Uncertain significance for Inborn genetic diseases. Last evaluated: 2025-04-03. Review status: criteria provided, single submitter. Criteria: Ambry Variant Classification Scheme 2023. Collection method: clinical testing. Allele origin: germline.

Labcorp Genetics (formerly Invitae), Labcorp
Classification: Uncertain significance. Last evaluated: 2021-08-27. Review status: criteria provided, single submitter. Criteria: Invitae Variant Classification Sherloc (09022015). Collection method: clinical testing. Allele origin: germline.
Comment: This sequence change replaces aspartic acid with glutamic acid at codon 367 of the PDE6C protein (p.Asp367Glu). The aspartic acid residue is highly conserved and there is a small physicochemical difference between aspartic acid and glutamic acid. This variant is present in population databases (rs556892228, ExAC 0.001%). This variant has not been reported in the literature in individuals affected with PDE6C-related conditions. Algorithms developed to predict the effect of missense changes on protein structure and function are either unavailable or do not agree on the potential impact of this missense change (SIFT: "Deleterious"; PolyPhen-2: "Probably Damaging"; Align-GVGD: "Class C0"). In summary, the available evidence is currently insufficient to determine the role of this variant in disease. Therefore, it has been classified as a Variant of Uncertain Significance.

Blueprint Genetics
Classification: Uncertain significance. Last evaluated: 2019-07-09. Review status: criteria provided, single submitter. Criteria: ACMG Guidelines, 2015. Collection method: clinical testing. Allele origin: germline.